The following is an entry in ClinVar:

ClinVar aggregate classification (germline): Pathogenic. Review status: criteria provided, multiple submitters, no conflicts (2 of 4 stars). 3 submissions from 3 submitters: Pathogenic (3). Last evaluated 2025-07-01.

Conditions:
Intellectual disability. Also called: Intellectual functioning disability; Intellectual developmental disorder; intellectual disabilities. Identifiers: MedGen C3714756, MeSH D008607, MONDO:0001071, HP:0001249.

Submissions (3):

CeGaT Center for Human Genetics Tuebingen
Classification: Pathogenic. Last evaluated: 2025-07-01. Review status: criteria provided, single submitter. Criteria: CeGaT Center For Human Genetics Tuebingen Variant Classification Criteria Version 2. Collection method: clinical testing. Allele origin: germline. Affected: yes. Observed: 1 variant allele.
Comment: ASXL3: PVS1, PM2

Cambridge Genomics Laboratory, East Genomic Laboratory Hub, NHS Genomic Medicine Service
Classification: Pathogenic for Intellectual disability. Last evaluated: 2020-05-04. Review status: criteria provided, single submitter. Criteria: ACGS Best Practice Guidelines for Variant Classification in Rare Disease 2020. Collection method: clinical testing. Allele origin: germline. Affected: yes. Observed: 1 variant allele.

GeneDx
Classification: Pathogenic. Last evaluated: 2019-03-04. Review status: criteria provided, single submitter. Criteria: GeneDx Variant Classification (06012015). Collection method: clinical testing. Allele origin: germline. Affected: yes.
Comment: The c.2625dupA pathogenic variant in the ASXL3 gene causes a frameshift starting with codon Valine 876, changes this amino acid to a Serine residue and creates a premature Stop codon at position 13 of the new reading frame, denoted p.Val876SerfsX13. This pathogenic variant is predicted to cause loss of normal protein function either through protein truncation or nonsense-mediated mRNA decay. The c.2625dupA variant is not observed in large population cohorts (Lek et al., 2016).

NM_030632.3(ASXL3):c.2625dup (p.Val876fs)

Gene: ASXL3 (ASXL transcriptional regulator 3; plus strand). Cytogenetic location: 18q12.1.
Variant type: Duplication.
Coding change: c.2625dup on transcript NM_030632.3 (MANE Select); coding-DNA position 2625, one base duplicated (A; older notation c.2625dupA).
Protein change: p.Val876fs; shifts the reading frame from valine 876.
Molecular consequence: frameshift variant.
Genome position (GRCh38, 1-based): chr18:33,740,029, A duplicated; the last of 8 consecutive A bases (chr18:33,740,022-33,740,029); duplicating any one gives the same sequence. VCF-style (leftmost placement, unchanged base first): chr18-33740021-G-GA. GRCh37 (hg19) VCF-style: chr18-31319985-G-GA.
Other names: short protein forms V876fs.
Identifiers: ClinVar variation 817406 (VCV000817406.10), dbSNP rs1599565958, ClinGen allele CA645603025.
Genomic context (GRCh38, chr18:33,740,021, plus strand): 5'-CCAGAACTTGCTTCTACTGAAATGATAAAAGTTAAAAATCATAGCGTCCTGCAAAGAACA[G>GA]AAAAAAAAGTGTTACCTTCACCATTGGAATTATCTGTCTTTTCTGAAGGGACAGATAATA-3'